The following is an entry in ClinVar:

ClinVar aggregate classification (germline): Uncertain significance (1 of 4 stars; one submission).

gnomAD v4.1: 45 of 1,613,334 alleles (0.0028%); highest among the groups gnomAD compares: Middle Eastern, 0.66%; no homozygotes.

Submission:

Labcorp Genetics (formerly Invitae), Labcorp
Classification: Uncertain significance. Last evaluated: 2024-07-23. Review status: criteria provided, single submitter. Criteria: Invitae Variant Classification Sherloc (09022015). Collection method: clinical testing. Allele origin: germline.
Comment: This sequence change replaces valine, which is neutral and non-polar, with isoleucine, which is neutral and non-polar, at codon 841 of the HMCN1 protein (p.Val841Ile). This variant is present in population databases (no rsID available, gnomAD 0.01%). This variant has not been reported in the literature in individuals affected with HMCN1-related conditions. An algorithm developed to predict the effect of missense changes on protein structure and function (PolyPhen-2) suggests that this variant is likely to be tolerated. In summary, the available evidence is currently insufficient to determine the role of this variant in disease. Therefore, it has been classified as a Variant of Uncertain Significance.

NM_031935.3(HMCN1):c.2521G>A (p.Val841Ile)

Gene: HMCN1 (hemicentin 1; plus strand). Cytogenetic location: 1q31.1.
Variant type: single nucleotide variant.
Coding change: c.2521G>A on transcript NM_031935.3 (MANE Select); coding-DNA position 2521, G replaced by A.
Protein change: p.Val841Ile; replaces valine 841 with isoleucine.
Molecular consequence: missense variant.
Genome position (GRCh38, 1-based): chr1:185,977,936, G>A. VCF-style: chr1-185977936-G-A. GRCh37 (hg19) VCF-style: chr1-185947068-G-A.
Other names: short protein forms V841I.
Identifiers: ClinVar variation 3628446 (VCV003628446.2).